The following is an entry in ClinVar:

ClinVar aggregate classification (germline): Uncertain significance (1 of 4 stars; one submission).

Conditions:
Developmental and epileptic encephalopathy, 12 (DEE12). Identifiers: MedGen C3150988, MONDO:0013389, OMIM 613722.

Allele frequency attached by ClinVar (database versions not stated): gnomAD exomes below 0.00001; ExAC 0.00001; gnomAD 0.00003 and 0.00004; TOPMed 0.00003.
gnomAD v4.1: 5 of 1,612,132 alleles (0.00031%); highest among the groups gnomAD compares: African/African-American, 0.0067%; no homozygotes.

Submission:

Labcorp Genetics (formerly Invitae), Labcorp
Classification: Uncertain significance for Developmental and epileptic encephalopathy, 12. Last evaluated: 2022-08-16. Review status: criteria provided, single submitter. Criteria: Invitae Variant Classification Sherloc (09022015). Collection method: clinical testing. Allele origin: germline.
Comment: This sequence change replaces methionine, which is neutral and non-polar, with isoleucine, which is neutral and non-polar, at codon 245 of the PLCB1 protein (p.Met245Ile). This variant is present in population databases (rs780585750, gnomAD 0.007%). This variant has not been reported in the literature in individuals affected with PLCB1-related conditions. ClinVar contains an entry for this variant (Variation ID: 575551). Algorithms developed to predict the effect of missense changes on protein structure and function (SIFT, PolyPhen-2, Align-GVGD) all suggest that this variant is likely to be tolerated. In summary, the available evidence is currently insufficient to determine the role of this variant in disease. Therefore, it has been classified as a Variant of Uncertain Significance.

NM_015192.4(PLCB1):c.735G>A (p.Met245Ile)

Gene: PLCB1 (phospholipase C beta 1; plus strand). Cytogenetic location: 20p12.3.
Variant type: single nucleotide variant.
Coding change: c.735G>A on transcript NM_015192.4 (MANE Select); coding-DNA position 735, G replaced by A.
Protein change: p.Met245Ile; replaces methionine 245 with isoleucine.
Molecular consequence: missense variant.
Genome position (GRCh38, 1-based): chr20:8,658,577, G>A. VCF-style: chr20-8658577-G-A. GRCh37 (hg19) VCF-style: chr20-8639224-G-A.
Other names: c.735G>A, p.Met245Ile (NM_182734.3); short protein forms M245I.
Identifiers: ClinVar variation 575551 (VCV000575551.4), dbSNP rs780585750, ClinGen allele CA9759819.
Genomic context (GRCh38, chr20:8,658,577, plus strand): 5'-TTGGTTTTTCATTGTTTTTAGTGGTGCAAAAAGCAAACCATATCTTACCGTTGATCAGAT[G>A]ATGGATTTTATCAACCTTAAGCAGCGAGATCCTCGGCTTAATGAAATACTTTATCCACCT-3'
Protein context (NP_056007.1, residues 235-255): KSKPYLTVDQ[Met245Ile]MDFINLKQRD